The following is an entry in ClinVar:

NM_000890.5(KCNJ5):c.536A>G (p.Asn179Ser)

Gene: KCNJ5 (potassium inwardly rectifying channel subfamily J member 5; plus strand). Cytogenetic location: 11q24.3.
Variant type: single nucleotide variant.
Coding change: c.536A>G on transcript NM_000890.5 (MANE Select); coding-DNA position 536, A replaced by G.
Protein change: p.Asn179Ser; replaces asparagine 179 with serine.
Molecular consequence: missense variant.
Genome position (GRCh38, 1-based): chr11:128,911,809, A>G. VCF-style: chr11-128911809-A-G. GRCh37 (hg19) VCF-style: chr11-128781704-A-G.
Other names: c.536A>G (LRG_333t1); c.536A>G, p.Asn179Ser (NM_001354169.2); short protein forms N179S.
Identifiers: ClinVar variation 581128 (VCV000581128.10), dbSNP rs147070381, ClinGen allele CA6357893.
Genomic context (GRCh38, chr11:128,911,809, plus strand): 5'-AGAAGTGTCCAGAGGGGATTATACTCCTCTTGGTCCAGGCCATCCTGGGCTCCATCGTCA[A>G]TGCCTTCATGGTGGGGTGCATGTTTGTCAAGATCAGCCAGCCCAAGAAGAGAGCGGAGAC-3'
Protein context (NP_000881.3, residues 169-189): LVQAILGSIV[Asn179Ser]AFMVGCMFVK

ClinVar aggregate classification (germline): Conflicting classifications of pathogenicity. Review status: criteria provided, conflicting classifications (1 of 4 stars). 3 submissions from 3 submitters: Uncertain significance (2); Likely benign (1). Last evaluated 2025-03-16.

Conditions:
Long QT syndrome (LQTS). Identifiers: MedGen C0023976, MeSH D008133, MONDO:0002442. Disease mechanism: loss of function. Inheritance: Various modes of inheritance.
Cardiovascular phenotype. Identifiers: MedGen CN230736.

Allele frequency attached by ClinVar (database versions not stated): gnomAD exomes 0.00002 and 0.00004; ExAC 0.00004; TOPMed 0.00006; gnomAD 0.00007 and 0.00008; ESP Exome Variant Server 0.00023.
gnomAD v4.1: 37 of 1,614,036 alleles (0.0023%); highest among the groups gnomAD compares: East Asian, 0.016%; no homozygotes.

Submissions (3):

Labcorp Genetics (formerly Invitae), Labcorp
Classification: Uncertain significance for Long QT syndrome. Last evaluated: 2025-03-16. Review status: criteria provided, single submitter. Criteria: Invitae Variant Classification Sherloc (09022015). Collection method: clinical testing. Allele origin: germline.
Comment: This sequence change replaces asparagine, which is neutral and polar, with serine, which is neutral and polar, at codon 179 of the KCNJ5 protein (p.Asn179Ser). This variant is present in population databases (rs147070381, gnomAD 0.02%). This missense change has been observed in individual(s) with clinical features of KCNJ5-related conditions (PMID: 27707468). ClinVar contains an entry for this variant (Variation ID: 581128). Invitae Evidence Modeling of protein sequence and biophysical properties (such as structural, functional, and spatial information, amino acid conservation, physicochemical variation, residue mobility, and thermodynamic stability) indicates that this missense variant is not expected to disrupt KCNJ5 protein function with a negative predictive value of 80%. In summary, the available evidence is currently insufficient to determine the role of this variant in disease. Therefore, it has been classified as a Variant of Uncertain Significance.

Ambry Genetics
Classification: Likely benign for Cardiovascular phenotype. Last evaluated: 2023-09-20. Review status: criteria provided, single submitter. Criteria: Ambry Variant Classification Scheme 2023. Collection method: clinical testing. Allele origin: germline.

GeneDx
Classification: Uncertain significance. Last evaluated: 2022-11-25. Review status: criteria provided, single submitter. Criteria: GeneDx Variant Classification Process June 2021. Collection method: clinical testing. Allele origin: germline. Affected: yes.
Comment: Reported in association with Brugada syndrome in published literature (Huang et al., 2017); In silico analysis supports that this missense variant has a deleterious effect on protein structure/function; This variant is associated with the following publications: (PMID: 28032242)

Literature cited by the submitters: PubMed 27707468 (cited by Labcorp Genetics (formerly Invitae), Labcorp and Ambry Genetics); PubMed 28032242 (cited by Ambry Genetics).